The following is an entry in ClinVar:

NM_006371.5(CRTAP):c.472-1011C>T

Gene: CRTAP (cartilage associated protein; plus strand). Cytogenetic location: 3p22.3.
Variant type: single nucleotide variant.
Coding change: c.472-1011C>T on transcript NM_006371.5 (MANE Select); 1011 bases into the intron before coding-DNA position 472, C replaced by T.
Molecular consequence: intron variant.
Genome position (GRCh38, 1-based): chr3:33,119,333, C>T. VCF-style: chr3-33119333-C-T. GRCh37 (hg19) VCF-style: chr3-33160825-C-T.
Other names: c.472-1011C>T (NM_001393363.1, NM_001393364.1); c.471+4785C>T (NM_001393365.1).
Identifiers: ClinVar variation 3036840 (VCV003036840.2), dbSNP rs897405456, ClinGen allele CA72702937.

ClinVar aggregate classification (germline): Likely benign (0 of 4 stars; one submission).

Conditions:
CRTAP-related disorder. Also called: CRTAP-related condition.

Allele frequency attached by ClinVar (database versions not stated): gnomAD 0.00019.
gnomAD v4.1: 30 of 152,100 alleles (0.02%); highest among the groups gnomAD compares: Admixed American, 0.085%; no homozygotes.

Submission:

PreventionGenetics, part of Exact Sciences
Classification: Likely benign for CRTAP-related condition. Last evaluated: 2023-07-18. Review status: no assertion criteria provided. Collection method: clinical testing. Allele origin: germline.
Comment: This variant is classified as likely benign based on ACMG/AMP sequence variant interpretation guidelines (Richards et al. 2015 PMID: 25741868, with internal and published modifications).